The following is an entry in ClinVar:

ClinVar aggregate classification (germline): Likely benign. Review status: criteria provided, multiple submitters, no conflicts (2 of 4 stars). 4 submissions from 4 submitters: Likely benign (4). Last evaluated 2026-07-29.

Conditions:
SCN9A-related disorder. Also called: SCN9A-related disorders; SCN9A-related condition.
Inborn genetic diseases. Identifiers: MedGen C0950123, MeSH D030342.
Neuropathy, hereditary sensory and autonomic, type 2A (HSAN2A). Also called: HSAN IIA; ACROOSTEOLYSIS, GIACCAI TYPE; ACROOSTEOLYSIS, NEUROGENIC; MORVAN DISEASE; NEUROPATHY, CONGENITAL SENSORY; NEUROPATHY, HEREDITARY SENSORY RADICULAR, AUTOSOMAL RECESSIVE. Identifiers: Orphanet 970, MedGen C2752089, MONDO:0024309, OMIM 201300.
Generalized epilepsy with febrile seizures plus, type 7 (GEFSP7). Also called: GEFS+, TYPE 7. Identifiers: Orphanet 36387, MedGen C2751778, MONDO:0013470, OMIM 613863.

Allele frequency attached by ClinVar (database versions not stated): gnomAD exomes 0.00001 and 0.00004; gnomAD 0.00002; TOPMed 0.00002.
gnomAD v4.1: 57 of 1,613,400 alleles (0.0035%); highest among the groups gnomAD compares: Non-Finnish European, 0.0047%; no homozygotes.

Submissions (4):

PreventionGenetics, part of Exact Sciences
Classification: Likely benign for SCN9A-related condition. Last evaluated: 2026-07-29. Review status: criteria provided, single submitter. Criteria: ACMG Guidelines, 2015. Collection method: clinical testing. Allele origin: germline.
Comment: This variant is classified as likely benign based on ACMG/AMP sequence variant interpretation guidelines (Richards et al. 2015 PMID: 25741868, with internal and published modifications).

Labcorp Genetics (formerly Invitae), Labcorp
Classification: Likely benign for Neuropathy, hereditary sensory and autonomic, type 2A; Generalized epilepsy with febrile seizures plus, type 7. Last evaluated: 2025-11-12. Review status: criteria provided, single submitter. Criteria: Invitae Variant Classification Sherloc (09022015). Collection method: clinical testing. Allele origin: germline.

Ambry Genetics
Classification: Likely benign for Inborn genetic diseases. Last evaluated: 2019-07-11. Review status: criteria provided, single submitter. Criteria: Ambry Variant Classification Scheme 2023. Collection method: clinical testing. Allele origin: germline.

GeneDx
Classification: Likely benign. Last evaluated: 2018-04-09. Review status: criteria provided, single submitter. Criteria: GeneDx Variant Classification (06012015). Collection method: clinical testing. Allele origin: germline. Affected: yes.
Comment: This variant is considered likely benign or benign based on one or more of the following criteria: it is a conservative change, it occurs at a poorly conserved position in the protein, it is predicted to be benign by multiple in silico algorithms, and/or has population frequency not consistent with disease.

NM_001365536.1(SCN9A):c.576T>C (p.Asp192=)

Gene: SCN9A (sodium voltage-gated channel alpha subunit 9; minus strand). Cytogenetic location: 2q24.3.
Variant type: single nucleotide variant.
Coding change: c.576T>C on transcript NM_001365536.1 (MANE Select); coding-DNA position 576, T replaced by C.
Protein change: p.Asp192=; no amino-acid change (aspartic acid 192 retained).
Molecular consequence: synonymous variant.
Genome position (GRCh38, 1-based): chr2:166,305,812, A>G on the plus strand (T>C on the coding strand, the complement: SCN9A is on the minus strand). VCF-style: chr2-166305812-A-G. GRCh37 (hg19) VCF-style: chr2-167162322-A-G.
Other names: c.576T>C, p.Asp192= (NM_002977.4).
Identifiers: ClinVar variation 471152 (VCV000471152.16), dbSNP rs762966087, ClinGen allele CA59809239.
Genomic context (GRCh38, chr2:166,305,812, plus strand): 5'-TTTCATAAATTTGCCGTTTCAAAAAGCTGAAAGTACTTACGCAAAAACAATGACGACAAA[A>G]TCCAGCCAGTTCCACGGGTCACGAAGAAAAGTGAATTCTCCTACACAGAAGCCTCTTGCA-3'
Protein context (NP_001352465.1, residues 182-202): TFLRDPWNWL[Asp192=]FVVIVFAYLT